The following is an entry in ClinVar:

ClinVar aggregate classification (germline): Uncertain significance (1 of 4 stars; one submission).

Submission:

GeneDx
Classification: Uncertain significance. Last evaluated: 2024-07-18. Review status: criteria provided, single submitter. Criteria: GeneDx Variant Classification Process June 2021. Collection method: clinical testing. Allele origin: germline. Affected: yes.
Comment: Not observed at significant frequency in large population cohorts (gnomAD); In silico analysis supports a deleterious effect on splicing; In silico analysis supports that this missense variant has a deleterious effect on protein structure/function; Has not been previously published as pathogenic or benign to our knowledge; This variant is associated with the following publications: (PMID: 18184292)

NM_000702.4(ATP1A2):c.1628G>T (p.Gly543Val)

Gene: ATP1A2 (ATPase Na+/K+ transporting subunit alpha 2; plus strand). Cytogenetic location: 1q23.2.
Variant type: single nucleotide variant.
Coding change: c.1628G>T on transcript NM_000702.4 (MANE Select); coding-DNA position 1628, G replaced by T.
Protein change: p.Gly543Val; replaces glycine 543 with valine.
Molecular consequence: missense variant.
Genome position (GRCh38, 1-based): chr1:160,130,268, G>T. VCF-style: chr1-160130268-G-T. GRCh37 (hg19) VCF-style: chr1-160100058-G-T.
Other names: short protein forms G543V.
Identifiers: ClinVar variation 3573879 (VCV003573879.1).